The following is an entry in ClinVar:

ClinVar aggregate classification (germline): Uncertain significance (1 of 4 stars; one submission).

Submission:

GeneDx
Classification: Uncertain significance. Last evaluated: 2016-08-26. Review status: criteria provided, single submitter. Criteria: GeneDx Variant Classification (06012015). Collection method: clinical testing. Allele origin: germline. Affected: yes.
Comment: The D2060G variant has not been published as a mutation, nor has it been reported as a benign polymorphism to our knowledge. The D2060N variant was not observed in approximately 6,500 individuals of European and African American ancestry in the NHLBI Exome Sequencing Project, indicating it is not a common benign variant in these populations. The D2060N variant is a non-conservative amino acid substitution, which is likely to impact secondary protein structure as these residues differ in polarity, charge, size and/or other properties. This substitution occurs at a position that is conserved across species. Two out of three in silico analysis algorithms predict this variant is probably damaging to the protein structure/function. Nevertheless, only one missense mutation in a nearby residue (G2056R) has been reported in association with ARVC and was reported in an individual homozygous for the mutation (Christensen et al., 2010). Based on the currently available information, it is unclear whether the D2060G variant in the DSP gene is a pathogenic mutation or a rare benign variant. The variant is found in ARRHYTHMIA panel(s).

NM_004415.4(DSP):c.6179A>G (p.Asp2060Gly)

Gene: DSP (desmoplakin; plus strand). Cytogenetic location: 6p24.3.
Variant type: single nucleotide variant.
Coding change: c.6179A>G on transcript NM_004415.4 (MANE Select); coding-DNA position 6179, A replaced by G.
Protein change: p.Asp2060Gly; replaces aspartic acid 2060 with glycine.
Molecular consequence: missense variant.
Genome position (GRCh38, 1-based): chr6:7,583,441, A>G. VCF-style: chr6-7583441-A-G. GRCh37 (hg19) VCF-style: chr6-7583674-A-G.
Other names: p.D2060G:GAT>GGT; c.6179A>G (LRG_423t1); c.4382A>G, p.Asp1461Gly (NM_001008844.3); c.4850A>G, p.Asp1617Gly (NM_001319034.2); short protein forms D2060G, D1617G, D1461G.
Identifiers: ClinVar variation 199898 (VCV000199898.2), dbSNP rs794728129, ClinGen allele CA006740.